The following is an entry in ClinVar:

NM_020937.4(FANCM):c.20C>A (p.Thr7Lys)

Gene: FANCM (FA complementation group M; plus strand). Cytogenetic location: 14q21.2.
Variant type: single nucleotide variant.
Coding change: c.20C>A on transcript NM_020937.4 (MANE Select); coding-DNA position 20, C replaced by A.
Protein change: p.Thr7Lys; replaces threonine 7 with lysine.
Molecular consequence: missense variant.
Genome position (GRCh38, 1-based): chr14:45,136,051, C>A. VCF-style: chr14-45136051-C-A. GRCh37 (hg19) VCF-style: chr14-45605254-C-A.
Other names: c.20C>A, p.Thr7Lys (NM_001308133.2, NM_001308134.2); c.20C>A (NM_020937.3); short protein forms T7K.
Identifiers: ClinVar variation 3512935 (VCV003512935.2).
Genomic context (GRCh38, chr14:45,136,051, plus strand): 5'-CTACGGATATCTGACAGAAGCCTTCGGTGGTTGTCGGCCTAATGAGCGGACGGCAAAGAA[C>A]GCTTTTTCAGACGTGGGGCTCAAGTATCTCCCGATCATCTGGGACTCCGGGTTGCAGCTC-3'
Protein context (NP_065988.1, residues 1-17): MSGRQR[Thr7Lys]LFQTWGSSIS

ClinVar aggregate classification (germline): Uncertain significance. Review status: criteria provided, multiple submitters, no conflicts (2 of 4 stars). 2 submissions from 2 submitters: Uncertain significance (2). Last evaluated 2024-11-28.

Conditions:
Inborn genetic diseases. Identifiers: MedGen C0950123, MeSH D030342.

gnomAD v4.1: 1 of 1,613,630 alleles (0.000062%); highest among the groups gnomAD compares: African/African-American, 0.0013%; no homozygotes.

Submissions (2):

Ambry Genetics
Classification: Uncertain significance for Inborn genetic diseases. Last evaluated: 2024-11-28. Review status: criteria provided, single submitter. Criteria: Ambry Variant Classification Scheme 2023. Collection method: clinical testing. Allele origin: germline.
Comment: The p.T7K variant (also known as c.20C>A), located in coding exon 1 of the FANCM gene, results from a C to A substitution at nucleotide position 20. The threonine at codon 7 is replaced by lysine, an amino acid with similar properties. This amino acid position is conserved. In addition, the in silico prediction for this alteration is inconclusive. Based on the available evidence, the clinical significance of this variant remains unclear.

Quest Diagnostics Nichols Institute San Juan Capistrano
Classification: Uncertain significance. Last evaluated: 2024-01-02. Review status: criteria provided, single submitter. Criteria: Quest Diagnostics criteria. Collection method: clinical testing. Allele origin: unknown.
Comment: The FANCM c.20C>A (p.Thr7Lys) variant has not been reported in individuals with FANCM-related conditions in the published literature. The frequency of this variant in the general population, 0.000004 (1/248544 chromosomes (Genome Aggregation Database)), is uninformative in the assessment of its pathogenicity. Analysis of this variant using bioinformatics tools for the prediction of the effect of amino acid changes on protein structure and function yielded conflicting predictions that this variant is benign or damaging. Based on the available information, we are unable to determine the clinical significance of this variant.